The following is an entry in ClinVar:

ClinVar aggregate classification (germline): Likely benign (1 of 4 stars; one submission).

Conditions:
USH1C-related disorder. Also called: USH1C-related condition.

Submission:

PreventionGenetics, part of Exact Sciences
Classification: Likely benign for USH1C-related condition. Last evaluated: 2026-04-09. Review status: criteria provided, single submitter. Criteria: ACMG Guidelines, 2015. Collection method: clinical testing. Allele origin: germline.
Comment: This variant is classified as likely benign based on ACMG/AMP sequence variant interpretation guidelines (Richards et al. 2015 PMID: 25741868, with internal and published modifications).

NM_153676.4(USH1C):c.580-6_580-3del

Gene: USH1C (USH1 protein network component harmonin; minus strand). Cytogenetic location: 11p15.1.
Variant type: Deletion.
Coding change: c.580-6_580-3del on transcript NM_153676.4 (MANE Select); 6 bases into the intron before coding-DNA position 580 through 3 bases into the intron before coding-DNA position 580, 4 bases deleted (TTTC; older notation c.580-6_580-3delTTTC).
Molecular consequence: intron variant.
Genome position (GRCh38, 1-based): chr11:17,526,444-17,526,447, GAAA deleted on the plus strand (TTTC on the coding strand, the reverse complement: USH1C is on the minus strand); deleting any 4 consecutive bases within chr11:17,526,444-17,526,449 gives the same sequence; the c. name uses the placement nearest the transcript's 3' end. VCF-style (leftmost placement, unchanged base first): chr11-17526443-TGAAA-T. GRCh37 (hg19) VCF-style: chr11-17547990-TGAAA-T.
Other names: c.580-6_580-3del (NM_001297764.2, NM_001440687.1, NM_001440681.1 and 5 more transcripts); c.613-6_613-3del (NM_001440686.1, NM_001440684.1, NM_001440679.1).
Identifiers: ClinVar variation 4985912 (VCV004985912.1).